The following is an entry in ClinVar:

NM_000543.5(SMPD1):c.1091+9C>T

Gene: SMPD1 (sphingomyelin phosphodiesterase 1; plus strand). Cytogenetic location: 11p15.4.
Variant type: single nucleotide variant.
Coding change: c.1091+9C>T on transcript NM_000543.5 (MANE Select); 9 bases into the intron after coding-DNA position 1091, C replaced by T.
Molecular consequence: intron variant. On other transcripts: missense variant (2).
Genome position (GRCh38, 1-based): chr11:6,392,165, C>T. VCF-style: chr11-6392165-C-T. GRCh37 (hg19) VCF-style: chr11-6413395-C-T.
Other names: c.139C>T, p.Arg47Cys (NM_001318088.2); c.1100C>T, p.Ser367Leu (NM_001365135.2); c.1091+9C>T (NM_001318087.2); c.1088+9C>T (NM_001007593.3); short protein forms R47C, S367L.
Identifiers: ClinVar variation 285417 (VCV000285417.25), dbSNP rs143612450, ClinGen allele CA5852754.

ClinVar aggregate classification (germline): Conflicting classifications of pathogenicity. Review status: criteria provided, conflicting classifications (1 of 4 stars). 6 submissions from 6 submitters: Uncertain significance (1); Benign (1); Likely benign (3). 1 of the submissions does not count toward it. Last evaluated 2026-01-28.

Conditions:
Sphingomyelin/cholesterol lipidosis. Also called: Niemann-Pick disease. Identifiers: MedGen C0028064, MONDO:0001982.
Niemann-Pick disease, type A. Also called: Infantile Neurovisceral ASMD (Niemann-Pick Disease Type A; NPD-A); SPHINGOMYELIN LIPIDOSIS; SPHINGOMYELINASE DEFICIENCY. Identifiers: Orphanet 77292, MedGen C0268242, MONDO:0009756, OMIM 257200. Disease mechanism: loss of function.
Niemann-Pick disease, type B. Also called: Chronic Visceral ASMD (Niemann-Pick Disease Type B; NPD-B). Identifiers: Orphanet 77293, MedGen C0268243, MONDO:0011871, OMIM 607616. Disease mechanism: loss of function.

Allele frequency attached by ClinVar (database versions not stated): TOPMed 0.00092; gnomAD 0.00095 and 0.00103; gnomAD exomes 0.00008 and 0.00017; ExAC 0.00024; 1000 Genomes Project 30x 0.00078; 1000 Genomes Project 0.00080; ESP Exome Variant Server 0.00131.
gnomAD v4.1: 255 of 1,614,026 alleles (0.016%); highest among the groups gnomAD compares: African/African-American, 0.3%; no homozygotes.

Submissions (6):

Labcorp Genetics (formerly Invitae), Labcorp
Classification: Benign for Niemann-Pick disease, type B; Niemann-Pick disease, type A. Last evaluated: 2026-01-28. Review status: criteria provided, single submitter. Criteria: Invitae Variant Classification Sherloc (09022015). Collection method: clinical testing. Allele origin: germline.

Blueprint Genetics
Classification: Likely benign. Last evaluated: 2024-05-29. Review status: criteria provided, single submitter. Criteria: ACMG Guidelines, 2015. Collection method: clinical testing. Allele origin: germline.

Broad Center for Mendelian Genomics, Broad Institute of MIT and Harvard
Classification: Likely benign for Sphingomyelin/cholesterol lipidosis. Last evaluated: 2020-01-22. Review status: criteria provided, single submitter. Criteria: ACMG Guidelines, 2015. Collection method: curation. Allele origin: germline. Inheritance: Autosomal recessive inheritance.
Comment: The c.1091+9C>T variant in SMPD1 has not been previously reported in individuals with Niemann-Pick disease, but has been identified in 0.317% (79/24926) of African chromosomes, 0.008% (3/35418) of Latino chromosomes, and 0.001% (1/127714) of European (non-Finnish) chromosomes by the Genome Aggregation Database (gnomAD; dbSNP rs143612450). This variant has also been reported in ClinVar (VariationID: 285417) as a VUS by Illumina Clinical services Laboratory and as likely benign by EGL Genetic Diagnostics. Computational prediction tools, including splice predictors, and conservation analyses suggest that this variant may not impact the protein, though this information is not predictive enough to rule out pathogenicity. In summary, although additional studies are required to fully establish its clinical significance, this variant is likely benign. ACMG/AMP Criteria applied: BS1, BP7, BP4 (Richards 2015).

Illumina Laboratory Services, Illumina
Classification: Uncertain significance for Niemann-Pick disease, type A. Last evaluated: 2018-01-13. Review status: criteria provided, single submitter. Criteria: ICSL Variant Classification Criteria 13 December 2019. Collection method: clinical testing. Allele origin: germline.

Eurofins Ntd Llc (ga)
Classification: Likely benign. Last evaluated: 2016-01-21. Review status: criteria provided, single submitter. Criteria: EGL Classification Definitions 2015. Collection method: clinical testing. Allele origin: germline. Observed: 1 variant allele, 1 heterozygote.

Natera, Inc.
Classification: Likely benign for Niemann-Pick Disease, Types A/B. Last evaluated: 2017-05-05. Review status: no assertion criteria provided. Collection method: clinical testing. Allele origin: germline. Not counted in ClinVar's aggregate classification.